The following is an entry in ClinVar:

NM_001151.4(SLC25A4):c.811T>C (p.Phe271Leu)

Gene: SLC25A4 (solute carrier family 25 member 4; plus strand). Cytogenetic location: 4q35.1.
Variant type: single nucleotide variant.
Coding change: c.811T>C on transcript NM_001151.4 (MANE Select); coding-DNA position 811, T replaced by C.
Protein change: p.Phe271Leu; replaces phenylalanine 271 with leucine.
Molecular consequence: missense variant.
Genome position (GRCh38, 1-based): chr4:185,146,885, T>C. VCF-style: chr4-185146885-T-C. GRCh37 (hg19) VCF-style: chr4-186068039-T-C.
Other names: short protein forms F271L.
Identifiers: ClinVar variation 4768452 (VCV004768452.1).

ClinVar aggregate classification (germline): Uncertain significance (1 of 4 stars; one submission).

Submission:

Labcorp Genetics (formerly Invitae), Labcorp
Classification: Uncertain significance. Last evaluated: 2025-02-23. Review status: criteria provided, single submitter. Criteria: Invitae Variant Classification Sherloc (09022015). Collection method: clinical testing. Allele origin: germline.
Comment: This sequence change replaces phenylalanine, which is neutral and non-polar, with leucine, which is neutral and non-polar, at codon 271 of the SLC25A4 protein (p.Phe271Leu). This variant is present in population databases (rs769723484, gnomAD 0.006%). This variant has not been reported in the literature in individuals affected with SLC25A4-related conditions. Invitae Evidence Modeling of protein sequence and biophysical properties (such as structural, functional, and spatial information, amino acid conservation, physicochemical variation, residue mobility, and thermodynamic stability) has been performed for this missense variant. However, the output from this modeling did not meet the statistical confidence thresholds required to predict the impact of this variant on SLC25A4 protein function. In summary, the available evidence is currently insufficient to determine the role of this variant in disease. Therefore, it has been classified as a Variant of Uncertain Significance.